The following is an entry in ClinVar:

ClinVar aggregate classification (germline): Benign/Likely benign. Review status: criteria provided, multiple submitters, no conflicts (2 of 4 stars). 2 submissions from 2 submitters: Benign (1); Likely benign (1). Last evaluated 2025-12-20.

Allele frequency attached by ClinVar (database versions not stated): 1000 Genomes Project 0.00200; 1000 Genomes Project 30x 0.00219; gnomAD 0.00344 and 0.00354; TOPMed 0.00380; ESP Exome Variant Server 0.00384; ExAC 0.00391; gnomAD exomes 0.00406 and 0.00473.
gnomAD v4.1: 7,383 of 1,614,106 alleles (0.46%); highest among the groups gnomAD compares: Non-Finnish European, 0.54%; 18 homozygotes.

Submissions (2):

Labcorp Genetics (formerly Invitae), Labcorp
Classification: Benign. Last evaluated: 2025-12-20. Review status: criteria provided, single submitter. Criteria: Invitae Variant Classification Sherloc (09022015). Collection method: clinical testing. Allele origin: germline.

CeGaT Center for Human Genetics Tuebingen
Classification: Likely benign. Last evaluated: 2023-12-01. Review status: criteria provided, single submitter. Criteria: CeGaT Center For Human Genetics Tuebingen Variant Classification Criteria Version 2. Collection method: clinical testing. Allele origin: germline. Affected: yes. Observed: 2 variant alleles.
Comment: LEMD2: BP4, BP7, BS2

NM_181336.4(LEMD2):c.1278C>T (p.Tyr426=)

Gene: LEMD2 (LEM domain nuclear envelope protein 2; minus strand). Cytogenetic location: 6p21.31.
Variant type: single nucleotide variant.
Coding change: c.1278C>T on transcript NM_181336.4 (MANE Select); coding-DNA position 1278, C replaced by T.
Protein change: p.Tyr426=; no amino-acid change (tyrosine 426 retained).
Molecular consequence: synonymous variant.
Genome position (GRCh38, 1-based): chr6:33,777,037, G>A on the plus strand (C>T on the coding strand, the complement: LEMD2 is on the minus strand). VCF-style: chr6-33777037-G-A. GRCh37 (hg19) VCF-style: chr6-33744814-G-A.
Other names: c.372C>T, p.Tyr124= (NM_001143944.1, NM_001348709.2); c.879C>T, p.Tyr293= (NM_001348710.2).
Identifiers: ClinVar variation 1545075 (VCV001545075.31), dbSNP rs139504669, ClinGen allele CA3763061.